The following is an entry in ClinVar:

ClinVar aggregate classification (germline): Conflicting classifications of pathogenicity. Review status: criteria provided, conflicting classifications (1 of 4 stars). 9 submissions from 9 submitters: Uncertain significance (4); Likely benign (5). Last evaluated 2026-01-11.

Conditions:
Cardiovascular phenotype. Identifiers: MedGen CN230736.
Cardiomyopathy (CMYO). Also called: Cardiomyopathies. Identifiers: Orphanet 167848, MedGen C0878544, MONDO:0004994, HP:0001638. Inheritance: Various modes of inheritance.
Dilated cardiomyopathy 1C (CMD1C). Also called: CARDIOMYOPATHY, DILATED, 1C, WITH OR WITHOUT LEFT VENTRICULAR NONCOMPACTION; Cardiomyopathy, dilated, 1C, with or without LVNC. Identifiers: Orphanet 154, Orphanet 54260, MedGen C1832244, MONDO:0011094, OMIM 601493.
Myofibrillar myopathy 4. Also called: Zaspopathy (type). Identifiers: Orphanet 98912, MedGen C4721886, MONDO:0012277, OMIM 609452.

Allele frequency attached by ClinVar (database versions not stated): 1000 Genomes Project 30x 0.00031; gnomAD 0.00026 and 0.00023; TOPMed 0.00030; ExAC 0.00031; 1000 Genomes Project 0.00040; gnomAD exomes 0.00023; ESP Exome Variant Server 0.00046.
gnomAD v4.1: 798 of 1,613,004 alleles (0.049%); highest among the groups gnomAD compares: Non-Finnish European, 0.063%; no homozygotes.

Submissions (9):

Labcorp Genetics (formerly Invitae), Labcorp
Classification: Uncertain significance for Myofibrillar myopathy 4. Last evaluated: 2026-01-11. Review status: criteria provided, single submitter. Criteria: Invitae Variant Classification Sherloc (09022015). Collection method: clinical testing. Allele origin: germline.
Comment: The LDB3 gene has multiple clinically relevant transcripts. This variant occurs in alternate transcript NM_007078.3, and corresponds to NM_001080116.1:c.*26876G>A in the primary transcript. This sequence change replaces alanine, which is neutral and non-polar, with threonine, which is neutral and polar, at codon 698 of the LDB3 protein (p.Ala698Thr). This variant is present in population databases (rs45577134, gnomAD 0.04%). This missense change has been observed in individual(s) with dilated cardiomyopathy (PMID: 19412328, 20590677, 25163546). This variant is also known as c.G1762A (p.A588T). ClinVar contains an entry for this variant (Variation ID: 36446). Experimental studies and prediction algorithms are not available or were not evaluated, and the functional significance of this variant is currently unknown. In summary, the available evidence is currently insufficient to determine the role of this variant in disease. Therefore, it has been classified as a Variant of Uncertain Significance.

Ambry Genetics
Classification: Uncertain significance for Cardiovascular phenotype. Last evaluated: 2025-10-05. Review status: criteria provided, single submitter. Criteria: Ambry Variant Classification Scheme 2023. Collection method: clinical testing. Allele origin: germline.
Comment: The p.A698T variant (also known as c.2092G>A), located in coding exon 12 of the LDB3 gene, results from a G to A substitution at nucleotide position 2092. The alanine at codon 698 is replaced by threonine, an amino acid with similar properties. This alteration was reported in two unrelated probands with dilated cardiomyopathy (DCM); however, both carried variants in other DCM-associated genes (Hershberger RE et al. Clin Transl Sci. 2008;1:21-6; Li D et al. Clin Transl Sci. 2010;3:90-7). This alteration has also been detected in DCM and cardiomyopathy genetic testing cohorts (Haas J et al. Eur Heart J, 2015 May;36:1123-35a; van Lint FHM et al. Neth Heart J, 2019 Jun;27:304-309). This variant has also been detected in an exome cohort, but cardiovascular history was not provided (Andreasen C et al. Eur. J. Hum. Genet. 2013;21:918-28). This amino acid position is highly conserved in available vertebrate species. In addition, the in silico prediction for this alteration is inconclusive. Since supporting evidence is limited at this time, the clinical significance of this alteration remains unclear.

Women's Health and Genetics/Laboratory Corporation of America, LabCorp
Classification: Likely benign. Last evaluated: 2025-07-07. Review status: criteria provided, single submitter. Criteria: LabCorp Variant Classification Summary - May 2015. Collection method: clinical testing. Allele origin: germline.
Comment: Variant summary: LDB3 c.2092G>A (p.Ala698Thr) results in a non-conservative amino acid change in the encoded protein sequence. Algorithms developed to predict the effect of missense changes on protein structure and function all suggest that this variant is likely to be disruptive. Consensus agreement among computation tools predict no significant impact on normal splicing. However, these predictions have yet to be confirmed by functional studies. The variant allele was found at a frequency of 0.00023 in 251374 control chromosomes. The observed variant frequency is approximately 8-fold of the estimated maximal expected allele frequency for a pathogenic variant in LDB3 causing Dilated Cardiomyopathy phenotype (3.1e-05). c.2092G>A has been observed in individual(s) affected with Dilated Cardiomyopathy, without strong evidence for causality (Andreasen_2013, Haas_2015, Hershberger_2008, Li_2010, vanderMeulen_2022). These report(s) do not provide unequivocal conclusions about association of the variant with Dilated Cardiomyopathy. Co-occurrences with other pathogenic variant(s) have been reported ( MYH7 c.709C>T , p.Arg237Trp), providing supporting evidence for a benign role (Hershberger_2008). To our knowledge, no experimental evidence demonstrating an impact on protein function has been reported. The following publications have been ascertained in the context of this evaluation (PMID: 23299917, 25163546, 19412328, 20590677, 36178741). ClinVar contains an entry for this variant (Variation ID: 36446). Based on the evidence outlined above, the variant was classified as likely benign.

Blueprint Genetics
Classification: Likely benign. Last evaluated: 2024-10-09. Review status: criteria provided, single submitter. Criteria: ACMG Guidelines, 2015. Collection method: clinical testing. Allele origin: germline.

ARUP Laboratories, Molecular Genetics and Genomics, ARUP Laboratories
Classification: Likely benign. Last evaluated: 2023-10-31. Review status: criteria provided, single submitter. Criteria: ARUP Molecular Germline Variant Investigation Process 2024. Collection method: clinical testing. Allele origin: germline.

GeneDx
Classification: Likely benign. Last evaluated: 2021-04-23. Review status: criteria provided, single submitter. Criteria: GeneDx Variant Classification Process June 2021. Collection method: clinical testing. Allele origin: germline. Affected: yes.
Comment: In silico analysis, which includes protein predictors and evolutionary conservation, supports that this variant does not alter protein structure/function; This variant is associated with the following publications: (PMID: 19412328, 20590677, 22337857, 23299917, 25163546, 30547036)

Victorian Clinical Genetics Services, Murdoch Childrens Research Institute
Classification: Likely benign for Dilated cardiomyopathy 1C. Last evaluated: 2020-10-19. Review status: criteria provided, single submitter. Criteria: ACMG Guidelines, 2015. Collection method: clinical testing. Allele origin: germline. Inheritance: Autosomal dominant inheritance.
Comment: Based on the classification scheme VCGS_Germline_v1.1.1, this variant is classified as likely benign. Following criteria are met: 0105 - The mechanism of disease for this gene is not clearly established. (N) 0107 - This gene is known to be associated with autosomal dominant disease. (N) 0200 - Variant is predicted to result in a missense amino acid change from alanine to threonine. (N) 0251 - Variant is heterozygous. (N) 0302 - Variant is present in gnomAD <0.001 for a dominant condition (67 heterozygotes, 0 homozygotes). (P) 0502 - Missense variant with conflicting in-silico predictions and/or uninformative conservation. (N) 0600 - Variant is located in the annotated LIM zinc-binding 3 domain. (N) 0708 - Comparable variants have conflicting previous evidence for pathogenicity. p.(Ala703Ser) has one VUS entry in ClinVar. (N) 0806 - Moderate previous evidence of neutrality in unrelated individuals. Identified in multiple patients at VCGS with LQTS and Brugada syndrome. This variant has six VUS and one likely benign entry in ClinVar. (B) 0905 - No segregation evidence has been identified for this variant. (N) 1007 - No published functional evidence has been identified for this variant. (N) 1208 - Inheritance information for this variant is not currently available. (N) Legend: (P) – Pathogenic, (N) – Neutral, (B) – Benign

CHEO Genetics Diagnostic Laboratory, Children's Hospital of Eastern Ontario
Classification: Uncertain significance for Cardiomyopathy. Last evaluated: 2020-05-25. Review status: criteria provided, single submitter. Criteria: ACMG Guidelines, 2015. Collection method: clinical testing. Allele origin: germline. Study: Canadian Open Genetics Repository.

Laboratory for Molecular Medicine, Mass General Brigham Personalized Medicine
Classification: Uncertain significance. Last evaluated: 2014-08-01. Review status: criteria provided, single submitter. Criteria: LMM Criteria. Collection method: clinical testing. Allele origin: germline. Observed: 4 variant alleles.
Comment: The Ala698Thr variant in LDB3 has been reported in 2 individuals with DCM, both of whom also carry an additional variant in another cardiomyopathy-associated ge ne (Hershberger 2008, Li 2010). This variant has been identified in 6/8600 European American chromosome s by the NHLBI Exome Sequencing Project (dbSN P rs45577134). Computational prediction tools and conservation analysis suggest that this variant may impact the protein, though this information is not predict ive enough to determine pathogenicity. In summary, the clinical significance of the Ala698Thr variant is uncertain.

Literature cited by the submitters: PubMed 19412328 (cited by 4 submitters); PubMed 20590677 (cited by 4 submitters); PubMed 25163546 (cited by 3 submitters); PubMed 22337857 (cited by Ambry Genetics); PubMed 23299917 (cited by Ambry Genetics and Women's Health and Genetics/Laboratory Corporation of America, LabCorp); PubMed 30847666 (cited by Ambry Genetics); PubMed 36178741 (cited by Women's Health and Genetics/Laboratory Corporation of America, LabCorp).

NM_007078.3(LDB3):c.2092G>A (p.Ala698Thr)

Gene: LDB3 (LIM domain binding 3; plus strand). Cytogenetic location: 10q23.2.
Variant type: single nucleotide variant.
Coding change: c.2092G>A on transcript NM_007078.3 (MANE Select); coding-DNA position 2092, G replaced by A.
Protein change: p.Ala698Thr; replaces alanine 698 with threonine.
Molecular consequence: missense variant.
Genome position (GRCh38, 1-based): chr10:86,726,250, G>A. VCF-style: chr10-86726250-G-A. GRCh37 (hg19) VCF-style: chr10-88486007-G-A.
Other names: p.A698T:GCA>ACA; c.1762G>A, p.Ala588Thr (NM_001080114.2); c.2107G>A, p.Ala703Thr (NM_001171610.2); c.1903G>A, p.Ala635Thr (NM_001368064.1, NM_001368065.1); c.1951G>A, p.Ala651Thr (NM_001368066.1); short protein forms A698T, A703T, A588T, A635T, A651T.
Identifiers: ClinVar variation 36446 (VCV000036446.35), dbSNP rs45577134, ClinGen allele CA136580.